The following is an entry in ClinVar:

ClinVar aggregate classification (germline): Pathogenic (1 of 4 stars; one submission).

Conditions:
Pendred syndrome (PDS). Also called: THYROID DYSHORMONOGENESIS 2B; THYROID HORMONOGENESIS, GENETIC DEFECT IN, 2B; Pendred Syndrome (PDS); DEAFNESS WITH GOITER; GOITER-DEAFNESS SYNDROME; HYPOTHYROIDISM, CONGENITAL, DUE TO DYSHORMONOGENESIS, 2B. Identifiers: Orphanet 705, MedGen C0271829, MONDO:0010134, OMIM 274600.

Submission:

Natera, Inc.
Classification: Pathogenic for Pendred syndrome. Last evaluated: 2025-11-05. Review status: criteria provided, single submitter. Criteria: Natera Variant Classification Schema (03/2026). Collection method: clinical testing. Allele origin: germline.
Comment: The c.600+1G>T variant in SLC26A4 is a canonical splice donor site variant predicted to affect pre-mRNA splicing, which may result in an abnormal transcript and altered protein product. This variant is expected to result in nonsense mediated decay, truncation, or a dysfunctional protein product. This variant is rare in the general population with a frequency below the threshold expected for the associated phenotype(s). This variant has been observed in one or more individuals affected with the associated recessive disease, as either homozygous or compound heterozygous with a second variant (PMID: 26346818). Given the available evidence, this variant is classified as Pathogenic.

Literature cited by the submitters: PubMed 26346818.

NM_000441.2(SLC26A4):c.600+1G>T

Gene: SLC26A4 (solute carrier family 26 member 4; plus strand). Cytogenetic location: 7q22.3.
Variant type: single nucleotide variant.
Coding change: c.600+1G>T on transcript NM_000441.2 (MANE Select); the canonical splice donor site of the intron after coding-DNA position 600, G replaced by T.
Molecular consequence: splice donor variant.
Genome position (GRCh38, 1-based): chr7:107,674,349, G>T. VCF-style: chr7-107674349-G-T. GRCh37 (hg19) VCF-style: chr7-107314794-G-T.
Identifiers: ClinVar variation 4818374 (VCV004818374.1).